The following is an entry in ClinVar:

NM_000257.4(MYH7):c.4641C>T (p.Ala1547=)

Genes: MYH7 (myosin heavy chain 7; minus strand), MHRT (myosin heavy chain associated RNA transcript; plus strand). Cytogenetic location: 14q11.2.
Variant type: single nucleotide variant.
Coding change: c.4641C>T on transcript NM_000257.4 (MANE Select); coding-DNA position 4641, C replaced by T.
Protein change: p.Ala1547=; no amino-acid change (alanine 1547 retained).
Molecular consequence: synonymous variant.
Genome position (GRCh38, 1-based): chr14:23,416,871, G>A on the plus strand (C>T on the coding strand, the complement: MYH7 is on the minus strand). VCF-style: chr14-23416871-G-A. GRCh37 (hg19) VCF-style: chr14-23886080-G-A.
Identifiers: ClinVar variation 926826 (VCV000926826.16), dbSNP rs376854724, ClinGen allele CA257811228.
Genomic context (GRCh38, chr14:23,416,871, plus strand): 5'-GGGACCAAAAGCCTGGAGCTCAGCTCCCTGCACCCCGTGCCCTGCACACACACACACCTC[G>A]GCCTCCTCCAGGGCTGACTGCAGCTCCATCTTCTCGGCCTCCAGCTGCTTTCGGACCTTC-3'
Protein context (NP_000248.2, residues 1537-1557): KMELQSALEE[Ala1547=]EASLEHEEGK

ClinVar aggregate classification (germline): Benign/Likely benign. Review status: criteria provided, multiple submitters, no conflicts (2 of 4 stars). 6 submissions from 6 submitters: Benign (1); Likely benign (5). Last evaluated 2025-04-14.

Conditions:
Hypertrophic cardiomyopathy. Also called: HYPERTROPHIC MYOCARDIOPATHY. Identifiers: Orphanet 217569, MedGen C0007194, MeSH D002312, MONDO:0005045, HP:0001639.
Myopathy, myosin storage, autosomal recessive (CMYO7B). Also called: CONGENITAL MYOPATHY 7B, MYOSIN STORAGE, AUTOSOMAL RECESSIVE. Identifiers: Orphanet 636970, MedGen C1850709, MONDO:0009708, OMIM 255160.
Dilated cardiomyopathy 1S (CMD1S). Identifiers: Orphanet 154, Orphanet 54260, MedGen C1834481, MONDO:0013262, OMIM 613426.
Congenital myopathy with fiber type disproportion. Also called: Congenital fiber-type disproportion myopathy; Congenital fiber-type disproportion. Identifiers: Orphanet 2020, MedGen C0546264, MONDO:0009711. Inheritance: all.
Myosin storage myopathy (CMYO7A). Also called: MYOPATHY, HYALINE BODY, AUTOSOMAL DOMINANT; Scapuloperoneal myopathy, MYH7-related; MYOPATHY WITH LYSIS OF TYPE I MYOFIBRILS; SCAPULOPERONEAL MUSCULAR DYSTROPHY; SCAPULOPERONEAL SYNDROME, MYOPATHIC TYPE; MYH7-related late-onset scapuloperoneal muscular dystrophy. Identifiers: Orphanet 437572, Orphanet 636965, MedGen C1842160, MONDO:0008409, OMIM 608358.
MYH7-related skeletal myopathy. Also called: Myopathy, distal, 1; MYOPATHY, DISTAL, EARLY-ONSET, AUTOSOMAL DOMINANT; MYOPATHY, LATE DISTAL HEREDITARY; Laing distal myopathy; Laing early-onset distal myopathy. Identifiers: Orphanet 59135, MedGen C4552004, MONDO:0008050, OMIM 160500.
Hypertrophic cardiomyopathy 1 (CMH1). Also called: Familial hypertrophic cardiomyopathy 1; MYH7-Related Familial Hypertrophic Cardiomyopathy. Identifiers: MedGen C3495498, MONDO:0008647, OMIM 192600.
Cardiovascular phenotype. Identifiers: MedGen CN230736.
Cardiomyopathy (CMYO). Also called: Cardiomyopathies. Identifiers: Orphanet 167848, MedGen C0878544, MONDO:0004994, HP:0001638. Inheritance: Various modes of inheritance.

Allele frequency attached by ClinVar (database versions not stated): gnomAD exomes 0.00001; gnomAD 0.00002; TOPMed 0.00002; ESP Exome Variant Server 0.00008.
gnomAD v4.1: 11 of 1,613,956 alleles (0.00068%); highest among the groups gnomAD compares: African/African-American, 0.004%; no homozygotes.

Submissions (6):

Labcorp Genetics (formerly Invitae), Labcorp
Classification: Likely benign for Hypertrophic cardiomyopathy. Last evaluated: 2025-04-14. Review status: criteria provided, single submitter. Criteria: Invitae Variant Classification Sherloc (09022015). Collection method: clinical testing. Allele origin: germline.

All of Us Research Program, National Institutes of Health
Classification: Likely benign for Cardiomyopathy. Last evaluated: 2023-03-23. Review status: criteria provided, single submitter. Criteria: ACMG Guidelines, 2015. Collection method: clinical testing. Allele origin: germline. Inheritance: Autosomal dominant inheritance. Observed: 1 variant allele, 1 heterozygote.
Comment: This study involves interpretation of variants in research participants for the purpose of population health screening. Participant phenotype was not available at the time of variant classification. Additional details can be found in publication PMID: 35346344, PMCID: PMC8962531

Fulgent Genetics
Classification: Likely benign for MYH7-related skeletal myopathy; Myosin storage myopathy; Hypertrophic cardiomyopathy 1; Myopathy, myosin storage, autosomal recessive; Congenital myopathy 4A, autosomal dominant; Dilated cardiomyopathy 1S. Last evaluated: 2021-09-01. Review status: criteria provided, single submitter. Criteria: ACMG Guidelines, 2015. Collection method: clinical testing. Allele origin: unknown.

Ambry Genetics
Classification: Likely benign for Cardiovascular phenotype. Last evaluated: 2021-08-16. Review status: criteria provided, single submitter. Criteria: Ambry Variant Classification Scheme 2023. Collection method: clinical testing. Allele origin: germline.

Color Diagnostics, LLC DBA Color Health
Classification: Likely benign for Cardiomyopathy. Last evaluated: 2018-09-29. Review status: criteria provided, single submitter. Criteria: ACMG Guidelines, 2015. Collection method: clinical testing. Allele origin: germline.

GeneDx
Classification: Benign. Last evaluated: 2015-03-03. Review status: criteria provided, single submitter. Criteria: GeneDx Variant Classification Process June 2021. Collection method: clinical testing. Allele origin: germline. Affected: yes.